The following is an entry in ClinVar:

ClinVar aggregate classification (germline): Uncertain significance (1 of 4 stars; one submission).

gnomAD v4.1: 4 of 1,609,248 alleles (0.00025%); highest among the groups gnomAD compares: Non-Finnish European, 0.00034%; no homozygotes.

Submission:

GeneDx
Classification: Uncertain significance. Last evaluated: 2024-01-03. Review status: criteria provided, single submitter. Criteria: GeneDx Variant Classification Process June 2021. Collection method: clinical testing. Allele origin: germline. Affected: yes.
Comment: Not observed at significant frequency in large population cohorts (gnomAD); In silico analysis supports that this missense variant does not alter protein structure/function; Has not been previously published as pathogenic or benign to our knowledge

NM_006421.5(ARFGEF1):c.4645A>C (p.Thr1549Pro)

Gene: ARFGEF1 (ARF guanine nucleotide exchange factor 1; minus strand). Cytogenetic location: 8q13.2.
Variant type: single nucleotide variant.
Coding change: c.4645A>C on transcript NM_006421.5 (MANE Select); coding-DNA position 4645, A replaced by C.
Protein change: p.Thr1549Pro; replaces threonine 1549 with proline.
Molecular consequence: missense variant. On other transcripts: non-coding transcript variant (1).
Genome position (GRCh38, 1-based): chr8:67,216,631, T>G on the plus strand (A>C on the coding strand, the complement: ARFGEF1 is on the minus strand). VCF-style: chr8-67216631-T-G. GRCh37 (hg19) VCF-style: chr8-68128866-T-G.
Other names: c.4645A>C, p.Thr1549Pro (NM_001413184.1, NM_001413185.1, NM_001413186.1 and 5 more transcripts); c.4045A>C, p.Thr1349Pro (NM_001413188.1, NM_001413193.1, NM_001413197.1); c.4639A>C, p.Thr1547Pro (NM_001413190.1); c.3220A>C, p.Thr1074Pro (NM_001413196.1); short protein forms T1074P, T1349P, T1547P, T1549P.
Identifiers: ClinVar variation 3367597 (VCV003367597.1).